The following is an entry in ClinVar:

NM_001036.6(RYR3):c.1342G>A (p.Ala448Thr)

Gene: RYR3 (ryanodine receptor 3; plus strand). Cytogenetic location: 15q14.
Variant type: single nucleotide variant.
Coding change: c.1342G>A on transcript NM_001036.6 (MANE Select); coding-DNA position 1342, G replaced by A.
Protein change: p.Ala448Thr; replaces alanine 448 with threonine.
Molecular consequence: missense variant.
Genome position (GRCh38, 1-based): chr15:33,580,049, G>A. VCF-style: chr15-33580049-G-A. GRCh37 (hg19) VCF-style: chr15-33872250-G-A.
Other names: c.1342G>A (NM_001036.3); c.1342G>A, p.Ala448Thr (NM_001243996.4); short protein forms A448T.
Identifiers: ClinVar variation 531046 (VCV000531046.9), dbSNP rs780150644, ClinGen allele CA7458105.

ClinVar aggregate classification (germline): Uncertain significance. Review status: criteria provided, multiple submitters, no conflicts (2 of 4 stars). 2 submissions from 2 submitters: Uncertain significance (2). Last evaluated 2024-09-05.

Conditions:
Epileptic encephalopathy. Identifiers: MedGen C0543888, HP:0200134.

Allele frequency attached by ClinVar (database versions not stated): ExAC 0.00003; gnomAD exomes 0.00004 and 0.00002; gnomAD 0.00004 and 0.00003.
gnomAD v4.1: 68 of 1,613,546 alleles (0.0042%); highest among the groups gnomAD compares: Non-Finnish European, 0.0051%; no homozygotes.

Submissions (2):

Labcorp Genetics (formerly Invitae), Labcorp
Classification: Uncertain significance for Epileptic encephalopathy. Last evaluated: 2024-09-05. Review status: criteria provided, single submitter. Criteria: Invitae Variant Classification Sherloc (09022015). Collection method: clinical testing. Allele origin: germline.
Comment: This sequence change replaces alanine, which is neutral and non-polar, with threonine, which is neutral and polar, at codon 448 of the RYR3 protein (p.Ala448Thr). The frequency data for this variant in the population databases is considered unreliable, as metrics indicate poor data quality at this position in the gnomAD database. This variant has not been reported in the literature in individuals affected with RYR3-related conditions. ClinVar contains an entry for this variant (Variation ID: 531046). Invitae Evidence Modeling of protein sequence and biophysical properties (such as structural, functional, and spatial information, amino acid conservation, physicochemical variation, residue mobility, and thermodynamic stability) indicates that this missense variant is not expected to disrupt RYR3 protein function with a negative predictive value of 80%. In summary, the available evidence is currently insufficient to determine the role of this variant in disease. Therefore, it has been classified as a Variant of Uncertain Significance.

Ambry Genetics
Classification: Uncertain significance. Last evaluated: 2024-07-17. Review status: criteria provided, single submitter. Criteria: Ambry Variant Classification Scheme 2023. Collection method: clinical testing. Allele origin: germline.